The following is an entry in ClinVar:

NM_000018.4(ACADVL):c.196G>A (p.Ala66Thr)

Gene: ACADVL (acyl-CoA dehydrogenase very long chain; plus strand). Cytogenetic location: 17p13.1.
Variant type: single nucleotide variant.
Coding change: c.196G>A on transcript NM_000018.4 (MANE Select); coding-DNA position 196, G replaced by A.
Protein change: p.Ala66Thr; replaces alanine 66 with threonine.
Molecular consequence: missense variant. On other transcripts: 5 prime UTR variant (1), intron variant (1).
Genome position (GRCh38, 1-based): chr17:7,220,521, G>A. VCF-style: chr17-7220521-G-A. GRCh37 (hg19) VCF-style: chr17-7123840-G-A.
Other names: p.Ala66Thr; c.265G>A, p.Ala89Thr (NM_001270447.2); c.-33G>A (NM_001270448.2); c.139-83G>A (NM_001033859.3); short protein forms A89T, A66T.
Identifiers: ClinVar variation 1423469 (VCV001423469.4), dbSNP rs142745084, ClinGen allele CA287434286.
Genomic context (GRCh38, chr17:7,220,521, plus strand): 5'-CAGCTGGCTCTGGACAAGTCAGATTCCCACCCCTCTGACGCTCTGACCAGGAAAAAACCG[G>A]CCAAGGCGGTAGGTAGCCCCGAGGCCAGGTGGACCTTAGCCAGACCCAACCAGAGCCCTG-3'
Protein context (NP_000009.1, residues 56-76): PSDALTRKKP[Ala66Thr]KAESKSFAVG

ClinVar aggregate classification (germline): Uncertain significance. Review status: criteria provided, multiple submitters, no conflicts (2 of 4 stars). 2 submissions from 2 submitters: Uncertain significance (2). Last evaluated 2023-08-24.

Conditions:
Very long chain acyl-CoA dehydrogenase deficiency (ACADVLD). Also called: VLCAD Deficiency; Very Long-Chain Acyl-Coenzyme A Dehydrogenase Deficiency. Identifiers: Orphanet 26793, MedGen C3887523, MONDO:0008723, OMIM 201475.

Allele frequency attached by ClinVar (database versions not stated): gnomAD exomes below 0.00001; TOPMed 0.00001; ESP Exome Variant Server 0.00008.
gnomAD v4.1: 8 of 1,614,180 alleles (0.0005%); highest among the groups gnomAD compares: African/African-American, 0.008%; no homozygotes.

Submissions (2):

Mayo Clinic Laboratories, Mayo Clinic
Classification: Uncertain significance. Last evaluated: 2023-08-24. Review status: criteria provided, single submitter. Criteria: ACMG Guidelines, 2015. Collection method: clinical testing. Allele origin: germline. Observed: 1 variant allele.
Comment: BP4

Labcorp Genetics (formerly Invitae), Labcorp
Classification: Uncertain significance for Very long chain acyl-CoA dehydrogenase deficiency. Last evaluated: 2022-10-24. Review status: criteria provided, single submitter. Criteria: Invitae Variant Classification Sherloc (09022015). Collection method: clinical testing. Allele origin: germline.
Comment: This sequence change replaces alanine, which is neutral and non-polar, with threonine, which is neutral and polar, at codon 66 of the ACADVL protein (p.Ala66Thr). This variant is present in population databases (rs142745084, gnomAD 0.003%). This variant has not been reported in the literature in individuals affected with ACADVL-related conditions. ClinVar contains an entry for this variant (Variation ID: 1423469). Algorithms developed to predict the effect of missense changes on protein structure and function output the following: SIFT: "Tolerated"; PolyPhen-2: "Benign"; Align-GVGD: "Class C0". The threonine amino acid residue is found in multiple mammalian species, which suggests that this missense change does not adversely affect protein function. In summary, the available evidence is currently insufficient to determine the role of this variant in disease. Therefore, it has been classified as a Variant of Uncertain Significance.